The following is an entry in ClinVar:

NM_006160.4(NEUROD2):c.114A>G (p.Pro38=)

Gene: NEUROD2 (neuronal differentiation 2; minus strand). Cytogenetic location: 17q12.
Variant type: single nucleotide variant.
Coding change: c.114A>G on transcript NM_006160.4 (MANE Select); coding-DNA position 114, A replaced by G.
Protein change: p.Pro38=; no amino-acid change (proline 38 retained).
Molecular consequence: synonymous variant.
Genome position (GRCh38, 1-based): chr17:39,606,486, T>C on the plus strand (A>G on the coding strand, the complement: NEUROD2 is on the minus strand). VCF-style: chr17-39606486-T-C. GRCh37 (hg19) VCF-style: chr17-37762739-T-C.
Identifiers: ClinVar variation 3043043 (VCV003043043.3), dbSNP rs370086947, ClinGen allele CA8531867.

ClinVar aggregate classification (germline): Likely benign. Review status: criteria provided, single submitter (1 of 4 stars). 2 submissions from 2 submitters: Likely benign (1). 1 of the submissions does not count toward it. Last evaluated 2024-10-23.

Conditions:
NEUROD2-related disorder. Also called: NEUROD2-related condition.

Allele frequency attached by ClinVar (database versions not stated): gnomAD exomes 0.00057; ExAC 0.00169; ESP Exome Variant Server 0.00314; 1000 Genomes Project 0.00479; 1000 Genomes Project 30x 0.00515; gnomAD 0.00584; TOPMed 0.00711.

Submissions (2):

Blueprint Genetics
Classification: Likely benign. Last evaluated: 2024-10-23. Review status: criteria provided, single submitter. Criteria: ACMG Guidelines, 2015. Collection method: clinical testing. Allele origin: germline.

PreventionGenetics, part of Exact Sciences
Classification: Benign for NEUROD2-related condition. Last evaluated: 2019-11-16. Review status: no assertion criteria provided. Collection method: clinical testing. Allele origin: germline. Not counted in ClinVar's aggregate classification.
Comment: This variant is classified as benign based on ACMG/AMP sequence variant interpretation guidelines (Richards et al. 2015 PMID: 25741868, with internal and published modifications).